The following is an entry in ClinVar:

ClinVar aggregate classification (germline): Likely pathogenic (1 of 4 stars; one submission).

Submission:

GeneDx
Classification: Likely pathogenic. Last evaluated: 2018-05-04. Review status: criteria provided, single submitter. Criteria: GeneDx Variant Classification (06012015). Collection method: clinical testing. Allele origin: germline. Affected: yes.
Comment: The c.1265dupG variant in the EEF1A2 gene has not been reported previously as a pathogenic variant nor as a benign variant, to our knowledge. This frameshift variant replaces the typical last 41 amino acid residues in the EEF1A2 protein with an unknown number of different amino acid residues. This alteration may interfere with the proper formation and/or function of the EEF1A2 protein.The c.1265dupG variant is not observed in large population cohorts (Lek et al., 2016). We interpret c.1265dupG as a likely pathogenic variant.

NM_001958.5(EEF1A2):c.1265-1dup

Gene: EEF1A2 (eukaryotic translation elongation factor 1 alpha 2; minus strand). Cytogenetic location: 20q13.33.
Variant type: Duplication.
Coding change: c.1265-1dup on transcript NM_001958.5 (MANE Select); the canonical splice acceptor site of the intron before coding-DNA position 1265, one base duplicated (G; older notation c.1265-1dupG).
Molecular consequence: splice acceptor variant.
Genome position (GRCh38, 1-based): chr20:63,488,425, C duplicated on the plus strand (G on the coding strand, the reverse complement: EEF1A2 is on the minus strand); the first of 2 consecutive C bases (chr20:63,488,425-63,488,426); duplicating either gives the same sequence. VCF-style (leftmost placement, unchanged base first): chr20-63488424-G-GC. GRCh37 (hg19) VCF-style: chr20-62119777-G-GC.
Identifiers: ClinVar variation 524155 (VCV000524155.2), dbSNP rs1555883345, ClinGen allele CA658799395.